The following is an entry in ClinVar:

ClinVar aggregate classification (germline): Benign/Likely benign. Review status: criteria provided, multiple submitters, no conflicts (2 of 4 stars). 2 submissions from 2 submitters: Benign (1); Likely benign (1). Last evaluated 2024-05-01.

Conditions:
Hypogonadotropic hypogonadism 1 with or without anosmia (HH1). Also called: Kallmann syndrome, type 1, X-linked; Hypogonadotropic hypogonadism 1 with or without anosmia (Kallmann syndrome 1); DYSPLASIA OLFACTOGENITALIS OF DE MORSIER; HYPOGONADOTROPIC HYPOGONADISM 1 WITH ANOSMIA; KAL1-Related GnRH Deficiency (Kallmann Syndrome 1; Kallmann Syndrome, X-Linked); HYPOGONADOTROPIC HYPOGONADISM AND ANOSMIA. Identifiers: Orphanet 478, MedGen C1563719, MONDO:0010635, OMIM 308700. Disease mechanism: loss of function.

Allele frequency attached by ClinVar (database versions not stated): gnomAD exomes 0.00002; ExAC 0.00009; gnomAD 0.00014; TOPMed 0.00018; 1000 Genomes Project 30x 0.00021; ESP Exome Variant Server 0.00028; 1000 Genomes Project 0.00053.
gnomAD v4.1: 36 of 1,204,578 alleles (0.003%); highest among the groups gnomAD compares: African/African-American, 0.051%; no homozygotes.

Submissions (2):

CeGaT Center for Human Genetics Tuebingen
Classification: Likely benign. Last evaluated: 2024-05-01. Review status: criteria provided, single submitter. Criteria: CeGaT Center For Human Genetics Tuebingen Variant Classification Criteria Version 2. Collection method: clinical testing. Allele origin: germline. Affected: yes. Observed: 1 variant allele.
Comment: ANOS1: BP4

Labcorp Genetics (formerly Invitae), Labcorp
Classification: Benign for Hypogonadotropic hypogonadism 1 with or without anosmia. Last evaluated: 2024-03-07. Review status: criteria provided, single submitter. Criteria: Invitae Variant Classification Sherloc (09022015). Collection method: clinical testing. Allele origin: germline.

NM_000216.4(ANOS1):c.1615G>A (p.Glu539Lys)

Gene: ANOS1 (anosmin 1; minus strand). Cytogenetic location: Xp22.31.
Variant type: single nucleotide variant.
Coding change: c.1615G>A on transcript NM_000216.4 (MANE Select); coding-DNA position 1615, G replaced by A.
Protein change: p.Glu539Lys; replaces glutamic acid 539 with lysine.
Molecular consequence: missense variant.
Genome position (GRCh38, 1-based): chrX:8,536,777, C>T on the plus strand (G>A on the coding strand, the complement: ANOS1 is on the minus strand). VCF-style: chrX-8536777-C-T. GRCh37 (hg19) VCF-style: chrX-8504818-C-T.
Other names: short protein forms E539K.
Identifiers: ClinVar variation 3239276 (VCV003239276.21), dbSNP rs144586521.